The following is an entry in ClinVar:

ClinVar aggregate classification (germline): Uncertain significance. Review status: criteria provided, multiple submitters, no conflicts (2 of 4 stars). 2 submissions from 2 submitters: Uncertain significance (2). Last evaluated 2026-03-17.

Conditions:
COL9A3-related disorder. Also called: COL9A3-related condition.

Allele frequency attached by ClinVar (database versions not stated): gnomAD exomes below 0.00001 and 0.00001; TOPMed below 0.00001; ExAC 0.00003.
gnomAD v4.1: 1 of 1,602,516 alleles (0.000062%); highest among the groups gnomAD compares: East Asian, 0.0022%; no homozygotes.

Submissions (2):

PreventionGenetics, part of Exact Sciences
Classification: Uncertain significance for COL9A3-related condition. Last evaluated: 2026-03-17. Review status: criteria provided, single submitter. Criteria: ACMG Guidelines, 2015. Collection method: clinical testing. Allele origin: germline.
Comment: The COL9A3 c.2005G>T variant is predicted to result in premature protein termination (p.Gly669*). To our knowledge, this variant has not been reported in the literature. This variant is reported in 0.012% of alleles in individuals of East Asian descent in gnomAD. This variant resides in the last exon of COL9A3 gene and it is unclear whether the resulting messenger RNA escapes nonsense mediated decay. Although we suspect that this variant may be pathogenic, at this time, the clinical significance of this variant is uncertain due to the absence of conclusive functional and genetic evidence.

Labcorp Genetics (formerly Invitae), Labcorp
Classification: Uncertain significance. Last evaluated: 2025-03-10. Review status: criteria provided, single submitter. Criteria: Invitae Variant Classification Sherloc (09022015). Collection method: clinical testing. Allele origin: germline.
Comment: This sequence change creates a premature translational stop signal (p.Gly669*) in the COL9A3 gene. While this is not anticipated to result in nonsense mediated decay, it is expected to disrupt the last 16 amino acid(s) of the COL9A3 protein. This variant is present in population databases (rs752104442, gnomAD 0.01%). This variant has not been reported in the literature in individuals affected with COL9A3-related conditions. ClinVar contains an entry for this variant (Variation ID: 1363494). In summary, the available evidence is currently insufficient to determine the role of this variant in disease. Therefore, it has been classified as a Variant of Uncertain Significance.

NM_001853.4(COL9A3):c.2005G>T (p.Gly669Ter)

Gene: COL9A3 (collagen type IX alpha 3 chain; plus strand). Cytogenetic location: 20q13.33.
Variant type: single nucleotide variant.
Coding change: c.2005G>T on transcript NM_001853.4 (MANE Select); coding-DNA position 2005, G replaced by T.
Protein change: p.Gly669Ter; replaces glycine 669 with a stop codon.
Molecular consequence: nonsense.
Genome position (GRCh38, 1-based): chr20:62,840,682, G>T. VCF-style: chr20-62840682-G-T. GRCh37 (hg19) VCF-style: chr20-61472034-G-T.
Other names: c.2005G>T (NM_001853.3); short protein forms G669*.
Identifiers: ClinVar variation 1363494 (VCV001363494.7), dbSNP rs752104442, ClinGen allele CA9950285.